The following is an entry in ClinVar:

NM_001081550.2(THOC2):c.1862C>A (p.Ala621Asp)

Gene: THOC2 (THO complex subunit 2; minus strand). Cytogenetic location: Xq25.
Variant type: single nucleotide variant.
Coding change: c.1862C>A on transcript NM_001081550.2 (MANE Select); coding-DNA position 1862, C replaced by A.
Protein change: p.Ala621Asp; replaces alanine 621 with aspartic acid.
Molecular consequence: missense variant.
Genome position (GRCh38, 1-based): chrX:123,638,102, G>T on the plus strand (C>A on the coding strand, the complement: THOC2 is on the minus strand). VCF-style: chrX-123638102-G-T. GRCh37 (hg19) VCF-style: chrX-122771953-G-T.
Other names: short protein forms A621D.
Identifiers: ClinVar variation 2663631 (VCV002663631.3), dbSNP rs2521291145, ClinGen allele CA414268788.

ClinVar aggregate classification (germline): Uncertain significance (1 of 4 stars; one submission).

Submission:

GeneDx
Classification: Uncertain significance. Last evaluated: 2026-09-29. Review status: criteria provided, single submitter. Criteria: GeneDx Variant Classification Process June 2021. Collection method: clinical testing. Allele origin: germline.
Comment: Not observed at significant frequency in large population cohorts (gnomAD); In silico analysis supports that this missense variant has a deleterious effect on protein structure/function; Has not been previously published as pathogenic or benign to our knowledge